The following is an entry in ClinVar:

ClinVar aggregate classification (germline): Uncertain significance (1 of 4 stars; one submission).

Submission:

Ambry Genetics
Classification: Uncertain significance. Last evaluated: 2025-09-10. Review status: criteria provided, single submitter. Criteria: Ambry Variant Classification Scheme 2023. Collection method: clinical testing. Allele origin: germline.
Comment: The p.G22V variant (also known as c.65G>T), located in coding exon 1 of the WNK2 gene, results from a G to T substitution at nucleotide position 65. The glycine at codon 22 is replaced by valine, an amino acid with dissimilar properties. This amino acid position is conserved. In addition, this alteration is predicted to be tolerated by in silico analysis. Based on the available evidence, the clinical significance of this variant remains unclear.

NM_006648.4(WNK2):c.65G>T (p.Gly22Val)

Gene: WNK2 (WNK lysine deficient protein kinase 2; plus strand). Cytogenetic location: 9q22.31.
Variant type: single nucleotide variant.
Coding change: c.65G>T on transcript NM_006648.4 (MANE Select); coding-DNA position 65, G replaced by T.
Protein change: p.Gly22Val; replaces glycine 22 with valine.
Molecular consequence: missense variant.
Genome position (GRCh38, 1-based): chr9:93,184,994, G>T. VCF-style: chr9-93184994-G-T. GRCh37 (hg19) VCF-style: chr9-95947276-G-T.
Other names: c.65G>T, p.Gly22Val (NM_001282394.3); short protein forms G22V.
Identifiers: ClinVar variation 4201888 (VCV004201888.1).